The following is an entry in ClinVar:

ClinVar aggregate classification (germline): Uncertain significance (1 of 4 stars; one submission).

Conditions:
Hereditary cancer-predisposing syndrome. Also called: Neoplastic Syndromes, Hereditary; Tumor predisposition; Hereditary neoplastic syndrome; Hereditary Cancer Syndrome. Identifiers: Orphanet 140162, MedGen C0027672, MeSH D009386, MONDO:0015356.

Submission:

Ambry Genetics
Classification: Uncertain significance for Hereditary cancer-predisposing syndrome. Last evaluated: 2024-02-07. Review status: criteria provided, single submitter. Criteria: Ambry Variant Classification Scheme 2023. Collection method: clinical testing. Allele origin: germline.
Comment: The c.1127+2T>C intronic variant results from a T to C substitution two nucleotides after coding exon 11 in the RB1 gene. Alterations that disrupt the canonical splice site are expected to result in aberrant splicing. In silico splice site analysis predicts that this alteration will weaken the native splice donor site. The resulting transcript is predicted to be in-frame and is not expected to trigger nonsense-mediated mRNA decay; however, direct evidence is insufficient (Ambry internal data). The exact functional effect of the altered amino acid sequence is unknown. This nucleotide position is highly conserved in available vertebrate species. Based on the available evidence, the clinical significance of this alteration remains unclear.

NM_000321.3(RB1):c.1127+2T>C

Gene: RB1 (RB transcriptional corepressor 1; plus strand). Cytogenetic location: 13q14.2.
Variant type: single nucleotide variant.
Coding change: c.1127+2T>C on transcript NM_000321.3 (MANE Select); the canonical splice donor site of the intron after coding-DNA position 1127, T replaced by C.
Molecular consequence: splice donor variant.
Genome position (GRCh38, 1-based): chr13:48,368,606, T>C. VCF-style: chr13-48368606-T-C. GRCh37 (hg19) VCF-style: chr13-48942742-T-C.
Other names: c.1127+2T>C (NM_001407165.1, NM_001407166.1).
Identifiers: ClinVar variation 3231180 (VCV003231180.1), dbSNP rs2138123541, ClinGen allele CA388161401.